The following is an entry in ClinVar:

NM_004519.4(KCNQ3):c.1044+1G>A

Gene: KCNQ3 (potassium voltage-gated channel subfamily Q member 3; minus strand). Cytogenetic location: 8q24.22.
Variant type: single nucleotide variant.
Coding change: c.1044+1G>A on transcript NM_004519.4 (MANE Select); the canonical splice donor site of the intron after coding-DNA position 1044, G replaced by A.
Molecular consequence: splice donor variant.
Genome position (GRCh38, 1-based): chr8:132,174,238, C>T on the plus strand (G>A on the coding strand, the complement: KCNQ3 is on the minus strand). VCF-style: chr8-132174238-C-T. GRCh37 (hg19) VCF-style: chr8-133186485-C-T.
Other names: c.684+1G>A (NM_001204824.2).
Identifiers: ClinVar variation 3897333 (VCV003897333.1).

ClinVar aggregate classification (germline): Uncertain significance (1 of 4 stars; one submission).

Submission:

GeneDx
Classification: Uncertain significance. Last evaluated: 2024-11-04. Review status: criteria provided, single submitter. Criteria: GeneDx Variant Classification Process June 2021. Collection method: clinical testing. Allele origin: germline. Affected: yes.
Comment: Not observed at significant frequency in large population cohorts (gnomAD); Canonical splice site variant in a gene for which loss-of-function is not a known mechanism of disease; Has not been previously published as pathogenic or benign to our knowledge